The following is an entry in ClinVar:

ClinVar aggregate classification (germline): Benign/Likely benign. Review status: criteria provided, multiple submitters, no conflicts (2 of 4 stars). 2 submissions from 2 submitters: Benign (1); Likely benign (1). Last evaluated 2017-04-27.

Conditions:
Megaloblastic anemia, thiamine-responsive, with diabetes mellitus and sensorineural deafness (TRMA). Also called: ROGERS SYNDROME; THIAMINE-RESPONSIVE ANEMIA SYNDROME; THIAMINE-RESPONSIVE MYELODYSPLASIA; THIAMINE METABOLISM DYSFUNCTION SYNDROME 1 (MEGALOBLASTIC ANEMIA, DIABETES MELLITUS, AND DEAFNESS TYPE); Thiamine-Responsive Megaloblastic Anemia Syndrome. Identifiers: Orphanet 49827, MedGen C0342287, MONDO:0009575, OMIM 249270.

Allele frequency attached by ClinVar (database versions not stated): gnomAD 0.00441; TOPMed 0.00497; 1000 Genomes Project 0.00679; 1000 Genomes Project 30x 0.00734.
gnomAD v4.1: 1,380 of 1,514,466 alleles (0.091%); highest among the groups gnomAD compares: African/African-American, 1.7%; 18 homozygotes.

Submissions (2):

Illumina Laboratory Services, Illumina
Classification: Benign for Megaloblastic anemia, thiamine-responsive, with diabetes mellitus and sensorineural deafness. Last evaluated: 2017-04-27. Review status: criteria provided, single submitter. Criteria: ICSL Variant Classification Criteria 13 December 2019. Collection method: clinical testing. Allele origin: germline.
Comment: This variant was observed as part of a predisposition screen in an ostensibly healthy population. A literature search was performed for the gene, cDNA change, and amino acid change (where applicable). No publications were found based on this search. Allele frequency data from public databases was too high to be consistent with this variant causing disease. Therefore, this variant is classified as benign.

GeneDx
Classification: Likely benign. Last evaluated: 2017-04-05. Review status: criteria provided, single submitter. Criteria: GeneDx Variant Classification (06012015). Collection method: clinical testing. Allele origin: germline. Affected: yes.
Comment: This variant is considered likely benign or benign based on one or more of the following criteria: it is a conservative change, it occurs at a poorly conserved position in the protein, it is predicted to be benign by multiple in silico algorithms, and/or has population frequency not consistent with disease.

NM_006996.3(SLC19A2):c.-23G>C

Gene: SLC19A2 (solute carrier family 19 member 2; minus strand). Cytogenetic location: 1q24.2.
Variant type: single nucleotide variant.
Coding change: c.-23G>C on transcript NM_006996.3 (MANE Select); 23 bases upstream of the start codon, G replaced by C.
Molecular consequence: 5 prime UTR variant.
Genome position (GRCh38, 1-based): chr1:169,485,789, C>G on the plus strand (G>C on the coding strand, the complement: SLC19A2 is on the minus strand). VCF-style: chr1-169485789-C-G. GRCh37 (hg19) VCF-style: chr1-169455027-C-G.
Other names: c.-23G>C (NM_001319667.1).
Identifiers: ClinVar variation 384264 (VCV000384264.5), dbSNP rs181612338, ClinGen allele CA1233170.